The following is an entry in ClinVar:

ClinVar aggregate classification (germline): Benign (1 of 4 stars; one submission).

Submission:

Women's Health and Genetics/Laboratory Corporation of America, LabCorp
Classification: Benign. Last evaluated: 2024-04-05. Review status: criteria provided, single submitter. Criteria: LabCorp Variant Classification Summary - May 2015. Collection method: clinical testing. Allele origin: germline.
Comment: Variant summary: The variant involves the duplication of exons 1-23 in the ERCC2 gene. A presumed nomenclature of c.(?_-34)_(*1793_?)dup has been designated for the purposes of this classification. This duplication includes the entire coding sequence of the gene. As exact breakpoints are unknown, it may extend beyond the annotated region of the gene, to include other flanking genes. A large duplication variant (~53 kbp) involving the ERCC2 gene (together with the (partial) duplication of the flanking genes KLC3 and PPP1R13L) was found at a frequency of 0.0025 in 441901 control chromosomes, predominantly at a frequency of 0.0032 within the Non-Finnish European subpopulation in the gnomAD database (CNVs v4.0 dataset; zygosity not specified in this dataset). The observed variant frequency within Non-Finnish European control individuals in the gnomAD database is approximately 4-5 fold of the estimated maximal expected allele frequency for a pathogenic variant in ERCC2 causing Trichothiodystrophy- (0.00079) or Xeroderma Pigmentosum (0.00061) phenotypes, strongly suggesting that the variant is a benign polymorphism. In addition, several homozygotes are also reported for similar duplication variants in the gnomAD database SVs v4.0 dataset. To our knowledge, no occurrence of c.(?_-48)_(*239_?)dup in individuals affected with ERCC2-related conditions and no experimental evidence demonstrating its impact on protein function have been reported. ClinVar contains an entry for this variant (Variation ID: 1524641). Based on the evidence outlined above, large duplication variants involving the full coding sequence of the ERCC2 gene, together with flanking DNA segments that include the essential regulatory regions, are classified as benign.

Literature cited by the submitters: PubMed 34687117.

NC_000019.9:g.(?_45853094)_(45873832_?)dup

Genes: ERCC2 (ERCC excision repair 2, TFIIH core complex helicase subunit; minus strand), KLC3 (kinesin light chain 3; plus strand). Cytogenetic location: 19q13.32.
Variant type: Duplication.
Identifiers: ClinVar variation 3251497 (VCV003251497.1).